The following is an entry in ClinVar:

NM_183075.3(CYP2U1):c.490+303A>G

Gene: CYP2U1 (cytochrome P450 family 2 subfamily U member 1; plus strand). Cytogenetic location: 4q25.
Variant type: single nucleotide variant.
Coding change: c.490+303A>G on transcript NM_183075.3 (MANE Select); 303 bases into the intron after coding-DNA position 490, A replaced by G.
Molecular consequence: intron variant.
Genome position (GRCh38, 1-based): chr4:107,932,436, A>G. VCF-style: chr4-107932436-A-G. GRCh37 (hg19) VCF-style: chr4-108853592-A-G.
Identifiers: ClinVar variation 670712 (VCV000670712.1), dbSNP rs62311379, ClinGen allele CA16196005.

ClinVar aggregate classification (germline): Benign (1 of 4 stars; one submission).

Allele frequency attached by ClinVar (database versions not stated): 1000 Genomes Project 0.10204; 1000 Genomes Project 30x 0.10369; TOPMed 0.16276; gnomAD 0.17069 and 0.17593.
gnomAD v4.1: 25,972 of 152,238 alleles (17%); highest among the groups gnomAD compares: Non-Finnish European, 21%; 2,442 homozygotes.

Submission:

GeneDx
Classification: Benign. Last evaluated: 2018-06-14. Review status: criteria provided, single submitter. Criteria: GeneDx Variant Classification (06012015). Collection method: clinical testing. Allele origin: germline. Affected: yes.
Comment: This variant is considered likely benign or benign based on one or more of the following criteria: it is a conservative change, it occurs at a poorly conserved position in the protein, it is predicted to be benign by multiple in silico algorithms, and/or has population frequency not consistent with disease.